The following is an entry in ClinVar:

NM_000548.5(TSC2):c.5260-3C>T

Gene: TSC2 (TSC complex subunit 2; plus strand). Cytogenetic location: 16p13.3.
Variant type: single nucleotide variant.
Coding change: c.5260-3C>T on transcript NM_000548.5 (MANE Select); 3 bases into the intron before coding-DNA position 5260, C replaced by T.
Molecular consequence: intron variant.
Genome position (GRCh38, 1-based): chr16:2,088,443, C>T. VCF-style: chr16-2088443-C-T. GRCh37 (hg19) VCF-style: chr16-2138444-C-T.
Other names: c.5191-3C>T (NM_001114382.3); c.5131-3C>T (NM_021055.3); c.5119-3C>T (NM_001370405.1); c.5062-3C>T (NM_001363528.2); c.5128-3C>T (NM_001370404.1); c.5059-3C>T (NM_001077183.3); c.4951-3C>T (NM_001318827.2); c.4528-3C>T (NM_001318831.2); and 2 more.
Identifiers: ClinVar variation 1746442 (VCV001746442.5), dbSNP rs2151637431, ClinGen allele CA2575877622.
Genomic context (GRCh38, chr16:2,088,443, plus strand): 5'-GTGTGTGGGCAGAGCGGTTGCCACGCCTCCCAGACTTACTGCCCAAGCCGCCTCTGCCTT[C>T]AGATCTGCGAGGAAGCCGCCTACTCCAACCCCAGCCTACCTCTGGTGCACCCTCCGTCCC-3'

ClinVar aggregate classification (germline): Conflicting classifications of pathogenicity. Review status: criteria provided, conflicting classifications (1 of 4 stars). 2 submissions from 2 submitters: Uncertain significance (1); Likely benign (1). Last evaluated 2025-03-31.

Conditions:
Hereditary cancer-predisposing syndrome. Also called: Neoplastic Syndromes, Hereditary; Tumor predisposition; Hereditary Cancer Syndrome; Hereditary neoplastic syndrome. Identifiers: Orphanet 140162, MedGen C0027672, MeSH D009386, MONDO:0015356.
Tuberous sclerosis 2 (TSC2). Identifiers: Orphanet 805, MedGen C1860707, MONDO:0013199, OMIM 613254.

Allele frequency attached by ClinVar (database versions not stated): gnomAD exomes below 0.00001.
gnomAD v4.1: 1 of 1,612,794 alleles (0.000062%); highest among the groups gnomAD compares: African/African-American, 0.0013%; no homozygotes.

Submissions (2):

Labcorp Genetics (formerly Invitae), Labcorp
Classification: Likely benign for Tuberous sclerosis 2. Last evaluated: 2025-03-31. Review status: criteria provided, single submitter. Criteria: Invitae Variant Classification Sherloc (09022015). Collection method: clinical testing. Allele origin: germline.

Ambry Genetics
Classification: Uncertain significance for Hereditary cancer-predisposing syndrome. Last evaluated: 2022-04-28. Review status: criteria provided, single submitter. Criteria: Ambry Variant Classification Scheme 2023. Collection method: clinical testing. Allele origin: germline.
Comment: The c.5260-3C>T intronic variant results from a C to T substitution 3 nucleotides upstream from coding exon 41 in the TSC2 gene. This nucleotide position is not well conserved in available vertebrate species. In silico splice site analysis predicts that this alteration will not have any significant effect on splicing; however, direct evidence is insufficient at this time (Ambry internal data). Since supporting evidence is limited at this time, the clinical significance of this alteration remains unclear.